The following is an entry in ClinVar:

ClinVar aggregate classification (germline): Uncertain significance (1 of 4 stars; one submission).

Allele frequency attached by ClinVar (database versions not stated): gnomAD exomes below 0.00001; TOPMed below 0.00001; gnomAD 0.00001.
gnomAD v4.1: 3 of 1,613,820 alleles (0.00019%); highest among the groups gnomAD compares: Admixed American, 0.0033%; no homozygotes.

Submission:

Labcorp Genetics (formerly Invitae), Labcorp
Classification: Uncertain significance. Last evaluated: 2025-11-10. Review status: criteria provided, single submitter. Criteria: Invitae Variant Classification Sherloc (09022015). Collection method: clinical testing. Allele origin: germline.
Comment: This sequence change replaces proline, which is neutral and non-polar, with leucine, which is neutral and non-polar, at codon 376 of the GTPBP3 protein (p.Pro376Leu). This variant is not present in population databases (gnomAD no frequency). This variant has not been reported in the literature in individuals affected with GTPBP3-related conditions. ClinVar contains an entry for this variant (Variation ID: 2085452). Invitae Evidence Modeling of protein sequence and biophysical properties (such as structural, functional, and spatial information, amino acid conservation, physicochemical variation, residue mobility, and thermodynamic stability) indicates that this missense variant is not expected to disrupt GTPBP3 protein function with a negative predictive value of 80%. In summary, the available evidence is currently insufficient to determine the role of this variant in disease. Therefore, it has been classified as a Variant of Uncertain Significance.

NM_032620.4(GTPBP3):c.1031C>T (p.Pro344Leu)

Gene: GTPBP3 (GTP binding protein 3, mitochondrial; plus strand). Cytogenetic location: 19p13.11.
Variant type: single nucleotide variant.
Coding change: c.1031C>T on transcript NM_032620.4 (MANE Select); coding-DNA position 1031, C replaced by T.
Protein change: p.Pro344Leu; replaces proline 344 with leucine.
Molecular consequence: missense variant. On other transcripts: intron variant (1).
Genome position (GRCh38, 1-based): chr19:17,341,100, C>T. VCF-style: chr19-17341100-C-T. GRCh37 (hg19) VCF-style: chr19-17451909-C-T.
Other names: c.1097C>T, p.Pro366Leu (NM_001195422.1); c.1127C>T, p.Pro376Leu (NM_133644.4); c.975-7C>T (NM_001128855.3); short protein forms P366L, P376L, P344L.
Identifiers: ClinVar variation 2085452 (VCV002085452.4), dbSNP rs2074426233, ClinGen allele CA404738656.